The following is an entry in ClinVar:

NM_152384.3(BBS5):c.11T>A (p.Leu4Gln)

Genes: BBS5 (Bardet-Biedl syndrome 5; plus strand), LOC129935068 (ATAC-STARR-seq lymphoblastoid active region 16738; plus strand). Cytogenetic location: 2q31.1.
Variant type: single nucleotide variant.
Coding change: c.11T>A on transcript NM_152384.3 (MANE Select); coding-DNA position 11, T replaced by A.
Protein change: p.Leu4Gln; replaces leucine 4 with glutamine.
Molecular consequence: missense variant.
Genome position (GRCh38, 1-based): chr2:169,479,564, T>A. VCF-style: chr2-169479564-T-A. GRCh37 (hg19) VCF-style: chr2-170336074-T-A.
Other names: c.11T>A (NM_152384.2); short protein forms L4Q.
Identifiers: ClinVar variation 3584936 (VCV003584936.3).

ClinVar aggregate classification (germline): Conflicting classifications of pathogenicity. Review status: criteria provided, conflicting classifications (1 of 4 stars). 3 submissions from 3 submitters: Uncertain significance (2); Likely benign (1). Last evaluated 2024-11-04.

Conditions:
Bardet-Biedl syndrome 5 (BBS5). Identifiers: Orphanet 110, MedGen C3892039, MONDO:0014434, OMIM 615983.
BBS5-related disorder. Also called: BBS5-related condition.

gnomAD v4.1: 5 of 1,614,178 alleles (0.00031%); highest among the groups gnomAD compares: Middle Eastern, 0.033%; no homozygotes.

Submissions (3):

PreventionGenetics, part of Exact Sciences
Classification: Uncertain significance for BBS5-related condition. Last evaluated: 2024-11-04. Review status: criteria provided, single submitter. Criteria: ACMG Guidelines, 2015. Collection method: clinical testing. Allele origin: germline.
Comment: The BBS5 c.11T>A variant is predicted to result in the amino acid substitution p.Leu4Gln. To our knowledge, this variant has not been reported in the literature. This variant is reported in 0.0033% of alleles in individuals of South Asian descent in gnomAD. At this time, the clinical significance of this variant is uncertain due to the absence of conclusive functional and genetic evidence.

Fulgent Genetics
Classification: Uncertain significance for Bardet-Biedl syndrome 5. Last evaluated: 2024-02-04. Review status: criteria provided, single submitter. Criteria: ACMG Guidelines, 2015. Collection method: clinical testing. Allele origin: germline.

Blueprint Genetics
Classification: Likely benign. Last evaluated: 2020-12-23. Review status: criteria provided, single submitter. Criteria: ACMG Guidelines, 2015. Collection method: clinical testing. Allele origin: germline.